The following is an entry in ClinVar:

NM_032520.5(GNPTG):c.221TGG[1] (p.Val75del)

Gene: GNPTG (N-acetylglucosamine-1-phosphate transferase subunit gamma; plus strand). Cytogenetic location: 16p13.3.
Variant type: Microsatellite.
Coding change: c.221TGG[1] on transcript NM_032520.5 (MANE Select); one copy of the 3-base unit TGG starting at c.221; the reference has two copies in a row; one copy, 3 bases deleted.
Protein change: p.Val75del; deletes valine 75.
Molecular consequence: inframe deletion.
Genome position (GRCh38, 1-based): chr16:1,361,788-1,361,790, TGG deleted; deleting any 3 consecutive bases within chr16:1,361,785-1,361,790 gives the same sequence; the position shown is the placement nearest the transcript's 3' end. VCF-style (leftmost placement, unchanged base first): chr16-1361784-CTGG-C. GRCh37 (hg19) VCF-style: chr16-1411785-CTGG-C.
Other names: short protein forms V75del.
Identifiers: ClinVar variation 1361413 (VCV001361413.4), dbSNP rs1274943476, ClinGen allele CA718227384.

ClinVar aggregate classification (germline): Uncertain significance (1 of 4 stars; one submission).

Submission:

Labcorp Genetics (formerly Invitae), Labcorp
Classification: Uncertain significance. Last evaluated: 2022-08-16. Review status: criteria provided, single submitter. Criteria: Invitae Variant Classification Sherloc (09022015). Collection method: clinical testing. Allele origin: germline.
Comment: In summary, the available evidence is currently insufficient to determine the role of this variant in disease. Therefore, it has been classified as a Variant of Uncertain Significance. Experimental studies and prediction algorithms are not available or were not evaluated, and the functional significance of this variant is currently unknown. This variant has not been reported in the literature in individuals affected with GNPTG-related conditions. This variant is not present in population databases (gnomAD no frequency). This variant, c.224_226del, results in the deletion of 1 amino acid(s) of the GNPTG protein (p.Val75del), but otherwise preserves the integrity of the reading frame.